The following is an entry in ClinVar:

ClinVar aggregate classification (germline): Pathogenic/Likely pathogenic. Review status: criteria provided, multiple submitters, no conflicts (2 of 4 stars). 8 submissions from 8 submitters: Pathogenic (1); Likely pathogenic (7). Last evaluated 2025-08-29.

Conditions:
Hypophosphatasia. Also called: Phosphoethanol-aminuria. Identifiers: Orphanet 436, MedGen C0020630, MeSH D007014, MONDO:0018570.
ALPL-related disorder. Also called: ALPL-related condition; ALPL-related disorders.
Adult hypophosphatasia. Identifiers: Orphanet 247676, Orphanet 436, MedGen C0268413, MONDO:1010154, OMIM 146300, MONDO:0007798.

Submissions (8):

Genomenon, Inc
Classification: Likely pathogenic for Hypophosphatasia. Last evaluated: 2025-08-29. Review status: criteria provided, single submitter. Criteria: Genomenon Sequence Variant Interpretation Standards. Collection method: curation. Allele origin: germline. Affected: yes.
Comment: ALPL c.568_ 570del is an in-frame deletion variant that results in the deletion of a single amino acid, Asparagine, at position 190. This variant has been observed in at least one proband affected with hypophosphatasia (PMID:31707452;27998428;35197081;15660230;24276437). This variant has been described as Asn173del in the literature. It is absent or not present at a significant frequency in gnomAD. In conclusion, we classify ALPL p.Asn190del (c.568_ 570del) as a likely pathogenic variant.

Myriad Genetics, Inc.
Classification: Likely pathogenic for Hypophosphatasia. Last evaluated: 2025-01-31. Review status: criteria provided, single submitter. Criteria: Myriad Autosomal Dominant, Autosomal Recessive and X-Linked Classification Criteria (2023). Collection method: clinical testing. Allele origin: unknown.
Comment: NM_000478.4(ALPL):c.568_570delAAC(N190del) is an in-frame deletion classified as likely pathogenic in the context of hypophosphatasia. N190del has been observed in cases with relevant disease (PMID: 27998428, 15660230, 36007526, 35197081). Relevant functional assessments of this variant are not available in the literature. N190del has not been observed in referenced population frequency databases. In summary, NM_000478.4(ALPL):c.568_570delAAC(N190del) is an in-frame deletion that has been observed more frequently in cases with the relevant disease than in healthy populations. Please note: this variant was assessed in the context of healthy population screening.

Baylor Genetics
Classification: Likely pathogenic for Adult hypophosphatasia. Last evaluated: 2023-08-14. Review status: criteria provided, single submitter. Criteria: ACMG Guidelines, 2015. Collection method: clinical testing. Allele origin: unknown.

Labcorp Genetics (formerly Invitae), Labcorp
Classification: Pathogenic. Last evaluated: 2023-01-05. Review status: criteria provided, single submitter. Criteria: Invitae Variant Classification Sherloc (09022015). Collection method: clinical testing. Allele origin: germline.
Comment: For these reasons, this variant has been classified as Pathogenic. ClinVar contains an entry for this variant (Variation ID: 930907). This variant is also known as N173del. This variant has been observed in individual(s) with hypophosphatasia (PMID: 15660230, 27998428; Invitae). In at least one individual the data is consistent with being in trans (on the opposite chromosome) from a pathogenic variant. This variant is not present in population databases (gnomAD no frequency). This variant, c.568_570del, results in the deletion of 1 amino acid(s) of the ALPL protein (p.Asn190del), but otherwise preserves the integrity of the reading frame.

Genetics and Molecular Pathology, SA Pathology
Classification: Likely pathogenic for Hypophosphatasia. Last evaluated: 2021-04-22. Review status: criteria provided, single submitter. Criteria: ACMG Guidelines, 2015. Collection method: clinical testing. Allele origin: germline. Affected: yes.

Rady Children's Institute for Genomic Medicine, Rady Children's Hospital San Diego
Classification: Likely pathogenic for Hypophosphatasia. Last evaluated: 2020-10-13. Review status: criteria provided, single submitter. Criteria: ACMG Guidelines, 2015. Collection method: clinical testing. Allele origin: germline. Affected: yes.
Comment: This variant has been previously reported as a compound heterozygous change in patients with hypophosphatasia (PMID:15660230). It is absent from the gnomAD population database and thus is presumed to be rare.Based on the available evidence, the c.568_570del (p.Asn190del) variant is classified as Likely Pathogenic.

Centre for Mendelian Genomics, University Medical Centre Ljubljana
Classification: Likely pathogenic for Adult hypophosphatasia. Last evaluated: 2020-01-08. Review status: criteria provided, single submitter. Criteria: ACMG Guidelines, 2015. Collection method: clinical testing. Allele origin: unknown. Affected: yes.
Comment: This variant was classified as: Likely pathogenic. The following ACMG criteria were applied in classifying this variant: PS1,PM2,PM4.

Blueprint Genetics
Classification: Likely pathogenic for ALPL-related disorders. Last evaluated: 2019-09-18. Review status: criteria provided, single submitter. Criteria: ACMG Guidelines, 2015. Collection method: clinical testing. Allele origin: germline. Affected: yes. Observed: 1 variant allele.

Literature cited by the submitters: PubMed 31707452 (cited by Genomenon, Inc); PubMed 27998428 (cited by 3 submitters); PubMed 35197081 (cited by Genomenon, Inc and Myriad Genetics, Inc.); PubMed 15660230 (cited by 3 submitters); PubMed 24276437 (cited by Genomenon, Inc); PubMed 36007526 (cited by Myriad Genetics, Inc.).

NM_000478.6(ALPL):c.568_570del (p.Asn190del)

Gene: ALPL (alkaline phosphatase, biomineralization associated; plus strand). Cytogenetic location: 1p36.12.
Variant type: Deletion.
Coding change: c.568_570del on transcript NM_000478.6 (MANE Select); coding-DNA positions 568 to 570, 3 bases deleted (AAC; older notation c.568_570delAAC).
Protein change: p.Asn190del; deletes asparagine 190.
Molecular consequence: inframe deletion.
Genome position (GRCh38, 1-based): chr1:21,564,136-21,564,138, AAC deleted; deleting any 3 consecutive bases within chr1:21,564,134-21,564,138 gives the same sequence; the c. name uses the placement nearest the transcript's 3' end. VCF-style (leftmost placement, unchanged base first): chr1-21564133-GACA-G. GRCh37 (hg19) VCF-style: chr1-21890626-GACA-G.
Other names: c.403_405del, p.Asn135del (NM_001127501.4); c.337_339del, p.Asn113del (NM_001177520.3); c.568_570del, p.Asn190del (NM_001369803.2, NM_001369804.2, NM_001369805.2); c.568_570delAAC (NM_000478.5); short protein forms N135del, N113del, N190del.
Identifiers: ClinVar variation 930907 (VCV000930907.13), dbSNP rs1644529451, ClinGen allele CA1139655996.